The following is an entry in ClinVar:

ClinVar aggregate classification (germline): Pathogenic (0 of 4 stars; one submission).

Conditions:
Polycystic kidney disease. Also called: Polycystic kidney dysplasia; Kidney, Polycystic. Identifiers: MedGen C0022680, MeSH D007690, MONDO:0020642, HP:0000113.

Allele frequency attached by ClinVar (database versions not stated): gnomAD exomes below 0.00001.
gnomAD v4.1: 1 of 1,612,800 alleles (0.000062%); highest among the groups gnomAD compares: Non-Finnish European, 0.000085%; no homozygotes.

Submission:

Department of Pathology and Laboratory Medicine, Sinai Health System
Classification: Pathogenic for Polycystic Kidney disease. Review status: no assertion criteria provided. Collection method: clinical testing. Allele origin: unknown. Affected: yes. Study: The Canadian Open Genetics Repository (COGR).
Comment: The PKHD1 p.Glu2148X variant was not identified in the literature nor was it identified in the following databases: dbSNP, ClinVar, LOVD 3.0, or RWTH AAachen University ARPKD database. The variant was not identified in control databases: the 1000 Genomes Project, the NHLBI GO Exome Sequencing Project, the Exome Aggregation Consortium (August 8th 2016), or the Genome Aggregation Database (Feb 27, 2017). The p.Glu2148X variant leads to a premature stop codon at position 2148, which is predicted to lead to a truncated or absent protein and loss of function. Loss of function variants of the PKHD1 gene are an established mechanism of disease in autosomal recessive polycystic kidney disease and is the type of variant expected to cause the disorder. In summary, based on the above information this variant meets our laboratoryâ€šÃ„Ã´s criteria to be classified as pathogenic

NM_138694.4(PKHD1):c.6442G>T (p.Glu2148Ter)

Gene: PKHD1 (PKHD1 ciliary IPT domain containing fibrocystin/polyductin; minus strand). Cytogenetic location: 6p12.2.
Variant type: single nucleotide variant.
Coding change: c.6442G>T on transcript NM_138694.4 (MANE Select); coding-DNA position 6442, G replaced by T.
Protein change: p.Glu2148Ter; replaces glutamic acid 2148 with a stop codon.
Molecular consequence: nonsense.
Genome position (GRCh38, 1-based): chr6:51,911,847, C>A on the plus strand (G>T on the coding strand, the complement: PKHD1 is on the minus strand). VCF-style: chr6-51911847-C-A. GRCh37 (hg19) VCF-style: chr6-51776645-C-A.
Other names: c.6442G>T, p.Glu2148Ter (NM_170724.3); short protein forms E2148*.
Identifiers: ClinVar variation 997308 (VCV000997308.1), dbSNP rs1782990176, ClinGen allele CA364438225.
Genomic context (GRCh38, chr6:51,911,847, plus strand): 5'-ACACTCTTCTACCTTCTGGAGCATTGGCCTCCTGGCATGAAACAAGCAGCTTCTCCCTCT[C>A]ATTAGTGAGATTTCCTTGTATGGTAATACTCCTGCTGAGCAGAGCCACAGTGGCCTTTAA-3'